The following is an entry in ClinVar:

ClinVar aggregate classification (germline): Uncertain significance (1 of 4 stars; one submission).

Conditions:
Neurodevelopmental disorder with thin corpus callosum, hypotonia, and absent language. Identifiers: MedGen C6012708, MONDO:0976263, OMIM 621150.

Submission:

3billion
Classification: Uncertain significance for Neurodevelopmental disorder with thin corpus callosum, hypotonia, and absent language. Last evaluated: 2025-11-19. Review status: criteria provided, single submitter. Criteria: ACMG Guidelines, 2015. Collection method: clinical testing. Allele origin: germline. Affected: yes.
Comment: The variant is observed at an extremely low frequency in the gnomAD v4.1.0 dataset (total allele frequency: 0.027%). Predicted Consequence/Location: Inframe deletion located in a nonrepeat region: predicted to change the length of the protein and disrupt normal protein function. Therefore, this variant is classified as VUS according to the recommendation of ACMG/AMP guideline.

NM_001130053.5(EEF1D):c.827_844del (p.Arg276_Arg281del)

Gene: EEF1D (eukaryotic translation elongation factor 1 delta; minus strand). Cytogenetic location: 8q24.3.
Variant type: Deletion.
Coding change: c.827_844del on transcript NM_001130053.5 (MANE Select); coding-DNA positions 827 to 844, 18 bases deleted (GAGACCGGCGGGGCCGCA).
Protein change: p.Arg276_Arg281del.
Molecular consequence: inframe deletion. On other transcripts: intron variant (8).
Genome position (GRCh38, 1-based): chr8:143,589,238-143,589,255, TGCGGCCCCGCCGGTCTC deleted on the plus strand (GAGACCGGCGGGGCCGCA on the coding strand, the reverse complement: EEF1D is on the minus strand); deleting any 18 consecutive bases within chr8:143,589,238-143,589,269 gives the same sequence; the c. name uses the placement nearest the transcript's 3' end. VCF-style (leftmost placement, unchanged base first): chr8-143589237-TTGCGGCCCCGCCGGTCTC-T. GRCh37 (hg19) VCF-style: chr8-144671407-TTGCGGCCCCGCCGGTCTC-T.
Other names: c.827_844del, p.Arg276_Arg281del (NM_032378.7); c.-4-2406_-4-2389del (NM_001317743.4, NM_001289950.4, NM_001130055.4); c.-7-2403_-7-2386del (NM_001130056.5, NM_001195203.4, NM_001960.7 and 2 more transcripts).
Identifiers: ClinVar variation 4856100 (VCV004856100.1).
Genomic context (GRCh38, chr8:143,589,237, plus strand): 5'-AAGGCAGAGGGGGCCTCCCCATCGGCCCGTCGCAGCCCGGCCCGCTTGTTCCCTAAGATG[TTGCGGCCCCGCCGGTCTC>T]TGCGGCCCCGCCGGGCACCCTCGGCCAGGCCGGCTCGCTCTTGCAGGCGCACCTTCCCTG-3'